The following is an entry in ClinVar:

ClinVar aggregate classification (germline): Uncertain significance. Review status: criteria provided, multiple submitters, no conflicts (2 of 4 stars). 5 submissions from 5 submitters: Uncertain significance (4). 1 of the submissions does not count toward it. Last evaluated 2026-01-27.

Conditions:
SLX4-related disorder. Also called: SLX4-related condition.
Fanconi anemia (FA). Also called: Fanconi's anemia. Identifiers: Orphanet 84, MedGen C0015625, MeSH D005199, MONDO:0019391.
Fanconi anemia complementation group P. Also called: SLX4-Related Fanconi Anemia. Identifiers: Orphanet 84, MedGen C3469542, MONDO:0013499, OMIM 613951.

Allele frequency attached by ClinVar (database versions not stated): gnomAD exomes 0.00001 and 0.00004; ExAC 0.00002; gnomAD 0.00011 and 0.00012; TOPMed 0.00016; ESP Exome Variant Server 0.00023.
gnomAD v4.1: 40 of 1,614,004 alleles (0.0025%); highest among the groups gnomAD compares: African/African-American, 0.044%; no homozygotes.

Submissions (5):

Labcorp Genetics (formerly Invitae), Labcorp
Classification: Uncertain significance for Fanconi anemia. Last evaluated: 2026-01-27. Review status: criteria provided, single submitter. Criteria: Invitae Variant Classification Sherloc (09022015). Collection method: clinical testing. Allele origin: germline.
Comment: This sequence change replaces cysteine, which is neutral and slightly polar, with tyrosine, which is neutral and polar, at codon 1482 of the SLX4 protein (p.Cys1482Tyr). This variant is present in population databases (rs148856258, gnomAD 0.03%). This variant has not been reported in the literature in individuals affected with SLX4-related conditions. ClinVar contains an entry for this variant (Variation ID: 1432419). An algorithm developed to predict the effect of missense changes on protein structure and function outputs the following: PolyPhen-2: "Benign". The tyrosine amino acid residue is found in multiple mammalian species, which suggests that this missense change does not adversely affect protein function. In summary, the available evidence is currently insufficient to determine the role of this variant in disease. Therefore, it has been classified as a Variant of Uncertain Significance.

Dasa
Classification: Uncertain significance. Last evaluated: 2025-04-17. Review status: criteria provided, single submitter. Criteria: DASA Assertion Criteria. Collection method: clinical testing. Allele origin: germline.
Comment: NM_032444.4(SLX4):c.4445G>A (p.Cys1482Tyr) is a missense variant that results in the substitution of cysteine with tyrosine. This variant is rare in population databases. Computational prediction algorithms are consistent with a benign effect. The currently available literature and clinical evidence are not sufficient to establish a definitive association between this variant and the reported condition. Therefore, this variant is classified as a variant of uncertain significance.

Fulgent Genetics
Classification: Uncertain significance for Fanconi anemia complementation group P. Last evaluated: 2024-03-18. Review status: criteria provided, single submitter. Criteria: ACMG Guidelines, 2015. Collection method: clinical testing. Allele origin: germline.

Blueprint Genetics
Classification: Uncertain significance. Last evaluated: 2022-04-05. Review status: criteria provided, single submitter. Criteria: ACMG Guidelines, 2015. Collection method: clinical testing. Allele origin: germline.

PreventionGenetics, part of Exact Sciences
Classification: Uncertain significance for SLX4-related condition. Last evaluated: 2024-03-28. Review status: no assertion criteria provided. Collection method: clinical testing. Allele origin: germline. Not counted in ClinVar's aggregate classification.
Comment: The SLX4 c.4445G>A variant is predicted to result in the amino acid substitution p.Cys1482Tyr. This variant was reported in heterozygous state along with likely pathogenic variant in FANCG gene in an individual with Pituitary stalk interruption syndrome (Brauner et al. 2020. PubMed ID: 33270637). This variant is reported in 0.032% of alleles in individuals of African descent in gnomAD. At this time, the clinical significance of this variant is uncertain due to the absence of conclusive functional and genetic evidence.

NM_032444.4(SLX4):c.4445G>A (p.Cys1482Tyr)

Gene: SLX4 (SLX4 structure-specific endonuclease subunit; minus strand). Cytogenetic location: 16p13.3.
Variant type: single nucleotide variant.
Coding change: c.4445G>A on transcript NM_032444.4 (MANE Select); coding-DNA position 4445, G replaced by A.
Protein change: p.Cys1482Tyr; replaces cysteine 1482 with tyrosine.
Molecular consequence: missense variant.
Genome position (GRCh38, 1-based): chr16:3,589,193, C>T on the plus strand (G>A on the coding strand, the complement: SLX4 is on the minus strand). VCF-style: chr16-3589193-C-T. GRCh37 (hg19) VCF-style: chr16-3639194-C-T.
Other names: c.4445G>A (NM_032444.3); short protein forms C1482Y.
Identifiers: ClinVar variation 1432419 (VCV001432419.11), dbSNP rs148856258, ClinGen allele CA7865636.
Genomic context (GRCh38, chr16:3,589,193, plus strand): 5'-CTGCTATTCCCCAGGGAGCCCGCGCCCGAGGACTTCTCTTGCAATTTCCTCTGGGTAGTG[C>T]AGCTTCCTCGGATGGGGGTGGTGTCCAGGAGTCCCGGGGAGCGACAGTCACGGCTGTCGG-3'
Protein context (NP_115820.2, residues 1472-1492): LLDTTPIRGS[Cys1482Tyr]TTQRKLQEKS